The following is an entry in ClinVar:

NM_000219.3(KCNE1):c.(?_-50-60)_(*181_?)dup

Gene: KCNE1 (potassium voltage-gated channel subfamily E regulatory subunit 1; minus strand). Cytogenetic location: 21q22.12.
Variant type: Duplication.
Coding change: c.(?_-50-60)_(*181_?)dup on transcript NM_000219.3; a large duplication whose breakpoints are not mapped to the base.
Other names: c.(?_-50-60)_(*181_?)dup (LRG_290t1).
Identifiers: ClinVar variation 227456 (VCV000227456.4).

ClinVar aggregate classification (germline): Likely benign (1 of 4 stars; one submission).

Submission:

Laboratory for Molecular Medicine, Mass General Brigham Personalized Medicine
Classification: Likely benign. Last evaluated: 2016-01-06. Review status: criteria provided, single submitter. Criteria: LMM Criteria. Collection method: clinical testing. Allele origin: germline. Observed: 1 variant allele.
Comment: Whole gene duplication of KCNE1: This variant is not expected to have clinical significance because duplications encompassing the KCNE1 gene have been reported in 0.3% (3/845) and 0.25% (15/5919) of samples from two different population st udies in the DECIPHER database. It should be noted that exact breakpoints of the detected deletion could not be determined d ue to limitations of the testing methodology.